The following is an entry in ClinVar:

NM_017612.5(ZCCHC8):c.1006T>C (p.Tyr336His)

Gene: ZCCHC8 (zinc finger CCHC-type containing 8; minus strand). Cytogenetic location: 12q24.31.
Variant type: single nucleotide variant.
Coding change: c.1006T>C on transcript NM_017612.5 (MANE Select); coding-DNA position 1006, T replaced by C.
Protein change: p.Tyr336His; replaces tyrosine 336 with histidine.
Molecular consequence: missense variant.
Genome position (GRCh38, 1-based): chr12:122,481,534, A>G on the plus strand (T>C on the coding strand, the complement: ZCCHC8 is on the minus strand). VCF-style: chr12-122481534-A-G. GRCh37 (hg19) VCF-style: chr12-122966081-A-G.
Other names: c.775T>C, p.Tyr259His (NM_001350935.2); c.709T>C, p.Tyr237His (NM_001350936.2); c.292T>C, p.Tyr98His (NM_001350937.2, NM_001350938.2); short protein forms Y259H, Y237H, Y336H, Y98H.
Identifiers: ClinVar variation 2866373 (VCV002866373.3), dbSNP rs2547203317, ClinGen allele CA387052215.

ClinVar aggregate classification (germline): Uncertain significance (1 of 4 stars; one submission).

Submission:

Labcorp Genetics (formerly Invitae), Labcorp
Classification: Uncertain significance. Last evaluated: 2023-05-20. Review status: criteria provided, single submitter. Criteria: Invitae Variant Classification Sherloc (09022015). Collection method: clinical testing. Allele origin: germline.
Comment: In summary, the available evidence is currently insufficient to determine the role of this variant in disease. Therefore, it has been classified as a Variant of Uncertain Significance. Advanced modeling of protein sequence and biophysical properties (such as structural, functional, and spatial information, amino acid conservation, physicochemical variation, residue mobility, and thermodynamic stability) performed at Invitae indicates that this missense variant is expected to disrupt ZCCHC8 protein function. This variant has not been reported in the literature in individuals affected with ZCCHC8-related conditions. This variant is not present in population databases (gnomAD no frequency). This sequence change replaces tyrosine, which is neutral and polar, with histidine, which is basic and polar, at codon 336 of the ZCCHC8 protein (p.Tyr336His).